The following is an entry in ClinVar:

NM_001110556.2(FLNA):c.5558-12_5558-10delinsCTT

Gene: FLNA (filamin A; minus strand). Cytogenetic location: Xq28.
Variant type: Indel.
Coding change: c.5558-12_5558-10delinsCTT on transcript NM_001110556.2 (MANE Select); 12 bases into the intron before coding-DNA position 5558 through 10 bases into the intron before coding-DNA position 5558, TTC replaced by CTT.
Molecular consequence: intron variant.
Genome position (GRCh38, 1-based): chrX:154,354,053-154,354,055, GAA replaced by AAG on the plus strand (TTC replaced by CTT on the coding strand, the reverse complement: FLNA is on the minus strand). VCF-style: chrX-154354053-GAA-AAG. GRCh37 (hg19) VCF-style: chrX-153582421-GAA-AAG.
Other names: c.5534-12_5534-10delinsCTT (NM_001456.4).
Identifiers: ClinVar variation 2637627 (VCV002637627.1), dbSNP rs2522725987, ClinGen allele CA2695197151.

ClinVar aggregate classification (germline): Likely benign (1 of 4 stars; one submission).

Submission:

Women's Health and Genetics/Laboratory Corporation of America, LabCorp
Classification: Likely benign. Last evaluated: 2023-10-09. Review status: criteria provided, single submitter. Criteria: LabCorp Variant Classification Summary - May 2015. Collection method: clinical testing. Allele origin: germline.
Comment: Variant summary: FLNA c.5558-12_5558-10delinsCTT alters a nucleotide located at a position not widely known to affect splicing. Consensus agreement among computation tools predict no significant impact on normal splicing. However, these predictions have yet to be confirmed by functional studies. The variant was absent in 181181 control chromosomes. The available data on variant occurrences in the general population are insufficient to allow any conclusion about variant significance. To our knowledge, no occurrence of c.5558-12_5558-10delinsCTT in individuals affected with Periventricular Nodular Heterotopia and no experimental evidence demonstrating its impact on protein function have been reported. No submitters have cited clinical-significance assessments for this variant to ClinVar after 2014. Based on the evidence outlined above, the variant was classified as likely benign.